The following is an entry in ClinVar:

ClinVar aggregate classification (germline): Uncertain significance (1 of 4 stars; one submission).

Conditions:
NTRK2-related disorder. Also called: NTRK2-related condition.

gnomAD v4.1: 1 of 1,614,014 alleles (0.000062%); highest among the groups gnomAD compares: Admixed American, 0.0017%; no homozygotes.

Submission:

PreventionGenetics, part of Exact Sciences
Classification: Uncertain significance for NTRK2-related condition. Last evaluated: 2025-07-28. Review status: criteria provided, single submitter. Criteria: ACMG Guidelines, 2015. Collection method: clinical testing. Allele origin: germline.
Comment: The NTRK2 c.1735G>C variant is predicted to result in the amino acid substitution p.Glu579Gln. To our knowledge, this variant has not been reported in the literature. This variant is reported in 0.0029% of alleles in individuals of Latino descent in gnomAD. At this time, the clinical significance of this variant is uncertain due to the absence of conclusive functional and genetic evidence.

NM_006180.6(NTRK2):c.1735G>C (p.Glu579Gln)

Gene: NTRK2 (neurotrophic receptor tyrosine kinase 2; plus strand). Cytogenetic location: 9q21.33.
Variant type: single nucleotide variant.
Coding change: c.1735G>C on transcript NM_006180.6 (MANE Select); coding-DNA position 1735, G replaced by C.
Protein change: p.Glu579Gln; replaces glutamic acid 579 with glutamine.
Molecular consequence: missense variant.
Genome position (GRCh38, 1-based): chr9:84,934,263, G>C. VCF-style: chr9-84934263-G-C. GRCh37 (hg19) VCF-style: chr9-87549178-G-C.
Other names: c.1687G>C, p.Glu563Gln (NM_001018064.3, NM_001369532.1, NM_001369533.1); c.1651G>C, p.Glu551Gln (NM_001369534.1); c.1219G>C, p.Glu407Gln (NM_001369535.1); c.1267G>C, p.Glu423Gln (NM_001369536.1); short protein forms E423Q, E551Q, E407Q, E579Q, E563Q.
Identifiers: ClinVar variation 4986167 (VCV004986167.1).